The following is an entry in ClinVar:

ClinVar aggregate classification (germline): Uncertain significance (1 of 4 stars; one submission).

Conditions:
Duchenne muscular dystrophy (DMD). Also called: MUSCULAR DYSTROPHY, PSEUDOHYPERTROPHIC PROGRESSIVE, DUCHENNE TYPE; Duchenne Muscular Dystrophy (DMD). Identifiers: Orphanet 98896, MedGen C0013264, MONDO:0010679, OMIM 310200.

Submission:

Labcorp Genetics (formerly Invitae), Labcorp
Classification: Uncertain significance for Duchenne muscular dystrophy. Last evaluated: 2020-02-19. Review status: criteria provided, single submitter. Criteria: Invitae Variant Classification Sherloc (09022015). Collection method: clinical testing. Allele origin: germline.
Comment: This variant has not been reported in the literature in individuals with DMD-related conditions. Algorithms developed to predict the effect of missense changes on protein structure and function are either unavailable or do not agree on the potential impact of this missense change (SIFT: "Deleterious"; PolyPhen-2: "Possibly Damaging"; Align-GVGD: "Class C0"). In summary, the available evidence is currently insufficient to determine the role of this variant in disease. Therefore, it has been classified as a Variant of Uncertain Significance. This variant is not present in population databases (ExAC no frequency). This sequence change replaces cysteine with tyrosine at codon 3120 of the DMD protein (p.Cys3120Tyr). The cysteine residue is moderately conserved and there is a large physicochemical difference between cysteine and tyrosine.

NM_004006.3(DMD):c.9359G>A (p.Cys3120Tyr)

Gene: DMD (dystrophin; minus strand). Cytogenetic location: Xp21.2.
Variant type: single nucleotide variant.
Coding change: c.9359G>A on transcript NM_004006.3 (MANE Select); coding-DNA position 9359, G replaced by A.
Protein change: p.Cys3120Tyr; replaces cysteine 3120 with tyrosine.
Molecular consequence: missense variant.
Genome position (GRCh38, 1-based): chrX:31,223,049, C>T on the plus strand (G>A on the coding strand, the complement: DMD is on the minus strand). VCF-style: chrX-31223049-C-T. GRCh37 (hg19) VCF-style: chrX-31241166-C-T.
Other names: c.9335G>A, p.Cys3112Tyr (NM_000109.4); c.9347G>A, p.Cys3116Tyr (NM_004009.3); c.8990G>A, p.Cys2997Tyr (NM_004010.3); c.5336G>A, p.Cys1779Tyr (NM_004011.4); c.5327G>A, p.Cys1776Tyr (NM_004012.4); c.1979G>A, p.Cys660Tyr (NM_004013.3, NM_004020.4, NM_004021.3 and 2 more transcripts); c.1172G>A, p.Cys391Tyr (NM_004014.3); c.155G>A, p.Cys52Tyr (NM_004015.3, NM_004016.3, NM_004017.3 and 2 more transcripts); short protein forms C1776Y, C1779Y, C2997Y, C3112Y, C3116Y, C3120Y, C391Y, C52Y.
Identifiers: ClinVar variation 1057669 (VCV001057669.10), dbSNP rs2147070854, ClinGen allele CA412650788.
Genomic context (GRCh38, chrX:31,223,049, plus strand): 5'-CTTTTTATTCTAAGCAAAGACATAGTATCAAGATCTTCAAATACTGGCCAATACTTACAG[C>T]AAAGGGCCTTCTGCAGTCTTCGGAGTTTCATGGCAGTCCTATAAGCTGAGAATCTGACAT-3'
Protein context (NP_003997.2, residues 3110-3130): MKLRRLQKAL[Cys3120Tyr]LDLLSLSAAC